The following is an entry in ClinVar:

ClinVar aggregate classification (germline): Uncertain significance (1 of 4 stars; one submission).

Conditions:
FGFR2-related craniosynostosis. Identifiers: MedGen CN231480.

Allele frequency attached by ClinVar (database versions not stated): ExAC 0.00001; gnomAD exomes 0.00001; TOPMed 0.00001.
gnomAD v4.1: 17 of 1,613,968 alleles (0.0011%); highest among the groups gnomAD compares: Admixed American, 0.0017%; no homozygotes.

Submission:

Labcorp Genetics (formerly Invitae), Labcorp
Classification: Uncertain significance for FGFR2-related craniosynostosis. Last evaluated: 2023-08-10. Review status: criteria provided, single submitter. Criteria: Invitae Variant Classification Sherloc (09022015). Collection method: clinical testing. Allele origin: germline.
Comment: In summary, the available evidence is currently insufficient to determine the role of this variant in disease. Therefore, it has been classified as a Variant of Uncertain Significance. Advanced modeling of protein sequence and biophysical properties (such as structural, functional, and spatial information, amino acid conservation, physicochemical variation, residue mobility, and thermodynamic stability) performed at Invitae indicates that this missense variant is expected to disrupt FGFR2 protein function. ClinVar contains an entry for this variant (Variation ID: 1414370). This variant has not been reported in the literature in individuals affected with FGFR2-related conditions. This variant is present in population databases (rs765174665, gnomAD 0.0009%). This sequence change replaces aspartic acid, which is acidic and polar, with asparagine, which is neutral and polar, at codon 771 of the FGFR2 protein (p.Asp771Asn).

NM_000141.5(FGFR2):c.2311G>A (p.Asp771Asn)

Gene: FGFR2 (fibroblast growth factor receptor 2; minus strand). Cytogenetic location: 10q26.13.
Variant type: single nucleotide variant.
Coding change: c.2311G>A on transcript NM_000141.5 (MANE Select); coding-DNA position 2311, G replaced by A.
Protein change: p.Asp771Asn; replaces aspartic acid 771 with asparagine.
Molecular consequence: missense variant. On other transcripts: non-coding transcript variant (1), intron variant (1).
Genome position (GRCh38, 1-based): chr10:121,480,012, C>T on the plus strand (G>A on the coding strand, the complement: FGFR2 is on the minus strand). VCF-style: chr10-121480012-C-T. GRCh37 (hg19) VCF-style: chr10-123239526-C-T.
Other names: c.1975G>A, p.Asp659Asn (NM_001144914.1); c.1966G>A, p.Asp656Asn (NM_001144916.2); c.1963G>A, p.Asp655Asn (NM_001144917.2); c.1960G>A, p.Asp654Asn (NM_001144918.2); c.1627G>A, p.Asp543Asn (NM_001320654.2); c.2305G>A, p.Asp769Asn (NM_001320658.2); c.2314G>A, p.Asp772Asn (NM_022970.4); c.2044G>A, p.Asp682Asn (NM_023029.3); and 1 more; short protein forms D543N, D659N, D771N, D682N, D769N, D772N, D654N, D656N.
Identifiers: ClinVar variation 1414370 (VCV001414370.6), dbSNP rs765174665, ClinGen allele CA5720465.
Genomic context (GRCh38, chr10:121,480,012, plus strand): 5'-AACAAGAACTTCTTGTGTCAGGGTAACTAGGTGAATACTGTTCGAGAGGTTGGCTGAGGT[C>T]CAAGTATTCCTGAAAGAAGGGAAGAGAGACGTTTTATTTCATCTTGGGTCAGGATAACAA-3'
Protein context (NP_000132.3, residues 761-781): LTLTTNEEYL[Asp771Asn]LSQPLEQYSP